The following is an entry in ClinVar:

NM_001048174.2(MUTYH):c.1021G>A (p.Glu341Lys)

Gene: MUTYH (mutY DNA glycosylase; minus strand). Cytogenetic location: 1p34.1.
Variant type: single nucleotide variant.
Coding change: c.1021G>A on transcript NM_001048174.2 (MANE Select); coding-DNA position 1021, G replaced by A.
Protein change: p.Glu341Lys; replaces glutamic acid 341 with lysine.
Molecular consequence: missense variant. On other transcripts: non-coding transcript variant (7).
Genome position (GRCh38, 1-based): chr1:45,331,742, C>T on the plus strand (G>A on the coding strand, the complement: MUTYH is on the minus strand). VCF-style: chr1-45331742-C-T. GRCh37 (hg19) VCF-style: chr1-45797414-C-T.
Other names: c.1021G>A, p.Glu341Lys (NM_001048171.2, NM_001048173.2, NM_001407070.1 and 6 more transcripts); c.1024G>A, p.Glu342Lys (NM_001048172.2, NM_001407071.1, NM_001407078.1 and 1 more transcripts); c.937G>A, p.Glu313Lys (NM_001407075.1); c.1054G>A, p.Glu352Lys (NM_001407077.1, NM_001293191.2, NM_001407069.1); c.982G>A, p.Glu328Lys (NM_001407079.1); c.979G>A, p.Glu327Lys (NM_001407080.1); c.1105G>A, p.Glu369Lys (NM_001128425.2); c.1066G>A, p.Glu356Lys (NM_001293190.2); and 5 more; short protein forms E313K, E348K, E328K, E342K, E356K, E369K, E226K, E366K.
Identifiers: ClinVar variation 4113013 (VCV004113013.1).

ClinVar aggregate classification (germline): Uncertain significance (1 of 4 stars; one submission).

Conditions:
Hereditary cancer-predisposing syndrome. Also called: Tumor predisposition; Neoplastic Syndromes, Hereditary; Hereditary neoplastic syndrome; Hereditary Cancer Syndrome. Identifiers: Orphanet 140162, MedGen C0027672, MeSH D009386, MONDO:0015356.

Submission:

Ambry Genetics
Classification: Uncertain significance for Hereditary cancer-predisposing syndrome. Last evaluated: 2025-08-27. Review status: criteria provided, single submitter. Criteria: Ambry Variant Classification Scheme 2023. Collection method: clinical testing. Allele origin: germline.
Comment: The p.E369K variant (also known as c.1105G>A), located in coding exon 12 of the MUTYH gene, results from a G to A substitution at nucleotide position 1105. The glutamic acid at codon 369 is replaced by lysine, an amino acid with similar properties. This amino acid position is conserved. In addition, this alteration is predicted to be tolerated by in silico analysis. Based on the available evidence, the clinical significance of this variant remains unclear.